The following is an entry in ClinVar:

ClinVar aggregate classification (germline): Uncertain significance. Review status: criteria provided, multiple submitters, no conflicts (2 of 4 stars). 2 submissions from 2 submitters: Uncertain significance (2). Last evaluated 2024-12-19.

Conditions:
Hereditary nonpolyposis colorectal neoplasms. Identifiers: MedGen C0009405, MeSH D003123.
Hereditary cancer-predisposing syndrome. Also called: Hereditary neoplastic syndrome; Neoplastic Syndromes, Hereditary; Tumor predisposition; Hereditary Cancer Syndrome. Identifiers: Orphanet 140162, MedGen C0027672, MeSH D009386, MONDO:0015356.

Submissions (2):

Ambry Genetics
Classification: Uncertain significance for Hereditary cancer-predisposing syndrome. Last evaluated: 2024-12-19. Review status: criteria provided, single submitter. Criteria: Ambry Variant Classification Scheme 2023. Collection method: clinical testing. Allele origin: germline.
Comment: The p.K377Q variant (also known as c.1129A>C), located in coding exon 4 of the MSH6 gene, results from an A to C substitution at nucleotide position 1129. The lysine at codon 377 is replaced by glutamine, an amino acid with similar properties. This amino acid position is well conserved in available vertebrate species. In addition, the in silico prediction for this alteration is inconclusive. Based on the available evidence, the clinical significance of this variant remains unclear.

Labcorp Genetics (formerly Invitae), Labcorp
Classification: Uncertain significance for Hereditary nonpolyposis colorectal neoplasms. Last evaluated: 2022-02-18. Review status: criteria provided, single submitter. Criteria: Invitae Variant Classification Sherloc (09022015). Collection method: clinical testing. Allele origin: germline.
Comment: This sequence change replaces lysine, which is basic and polar, with glutamine, which is neutral and polar, at codon 377 of the MSH6 protein (p.Lys377Gln). This variant is not present in population databases (gnomAD no frequency). This variant has not been reported in the literature in individuals affected with MSH6-related conditions. ClinVar contains an entry for this variant (Variation ID: 185986). Advanced modeling of protein sequence and biophysical properties (such as structural, functional, and spatial information, amino acid conservation, physicochemical variation, residue mobility, and thermodynamic stability) performed at Invitae indicates that this missense variant is not expected to disrupt MSH6 protein function. In summary, the available evidence is currently insufficient to determine the role of this variant in disease. Therefore, it has been classified as a Variant of Uncertain Significance.

NM_000179.3(MSH6):c.1129A>C (p.Lys377Gln)

Gene: MSH6 (mutS homolog 6; plus strand). Cytogenetic location: 2p16.3.
Variant type: single nucleotide variant.
Coding change: c.1129A>C on transcript NM_000179.3 (MANE Select); coding-DNA position 1129, A replaced by C.
Protein change: p.Lys377Gln; replaces lysine 377 with glutamine.
Molecular consequence: missense variant.
Genome position (GRCh38, 1-based): chr2:47,799,112, A>C. VCF-style: chr2-47799112-A-C. GRCh37 (hg19) VCF-style: chr2-48026251-A-C.
Other names: c.739A>C, p.Lys247Gln (NM_001281492.2); c.223A>C, p.Lys75Gln (NM_001281493.2, NM_001281494.2); short protein forms K377Q, K75Q, K247Q.
Identifiers: ClinVar variation 185986 (VCV000185986.15), dbSNP rs786202609, ClinGen allele CA008090.